The following is an entry in ClinVar:

NM_004360.5(CDH1):c.846_847delinsTT (p.Met282_Glu283delinsIleTer)

Gene: CDH1 (cadherin 1; plus strand). Cytogenetic location: 16q22.1.
Variant type: Indel.
Coding change: c.846_847delinsTT on transcript NM_004360.5 (MANE Select); coding-DNA positions 846 to 847, GG replaced by TT.
Protein change: p.Met282_Glu283delinsIleTer.
Molecular consequence: nonsense. On other transcripts: 5 prime UTR variant (2).
Genome position (GRCh38, 1-based): chr16:68,811,697-68,811,698, GG replaced by TT. VCF-style: chr16-68811697-GG-TT. GRCh37 (hg19) VCF-style: chr16-68845600-GG-TT.
Other names: c.846_847delinsTT, p.Met282_Glu283delinsIleTer (NM_001317184.2); c.-770_-769delinsTT (NM_001317185.2); c.-974_-973delinsTT (NM_001317186.2).
Identifiers: ClinVar variation 2583610 (VCV002583610.2), dbSNP rs2543922045, ClinGen allele CA2582342558.

ClinVar aggregate classification (germline): Pathogenic (1 of 4 stars; one submission).

Conditions:
Hereditary diffuse gastric adenocarcinoma (HDGC). Also called: DIFFUSE GASTRIC AND LOBULAR BREAST CANCER SYNDROME. Identifiers: Orphanet 26106, MedGen C1708349, MONDO:0007648, OMIM 137215.

Submission:

Myriad Genetics, Inc.
Classification: Pathogenic for Hereditary diffuse gastric adenocarcinoma. Last evaluated: 2023-06-12. Review status: criteria provided, single submitter. Criteria: Myriad Autosomal Dominant, Autosomal Recessive and X-Linked Classification Criteria (2023). Collection method: clinical testing. Allele origin: unknown.
Comment: This variant is considered pathogenic. This variant creates a termination codon and is predicted to result in premature protein truncation.